The following is an entry in ClinVar:

ClinVar aggregate classification (germline): Likely benign. Review status: criteria provided, multiple submitters, no conflicts (2 of 4 stars). 2 submissions from 2 submitters: Likely benign (2). Last evaluated 2024-07-30.

Conditions:
Dilated cardiomyopathy 1G (CMD1G). Identifiers: Orphanet 154, MedGen C1858763, MONDO:0011400, OMIM 604145.
Autosomal recessive limb-girdle muscular dystrophy type 2J (LGMDR10). Also called: Limb-girdle muscular dystrophy, type 2J; MUSCULAR DYSTROPHY, LIMB-GIRDLE, AUTOSOMAL RECESSIVE 10. Identifiers: Orphanet 140922, MedGen C1837342, MONDO:0012127, OMIM 608807.

Submissions (2):

Labcorp Genetics (formerly Invitae), Labcorp
Classification: Likely benign for Dilated cardiomyopathy 1G; Autosomal recessive limb-girdle muscular dystrophy type 2J. Last evaluated: 2024-07-30. Review status: criteria provided, single submitter. Criteria: Invitae Variant Classification Sherloc (09022015). Collection method: clinical testing. Allele origin: germline.

GeneDx
Classification: Likely benign. Last evaluated: 2017-02-15. Review status: criteria provided, single submitter. Criteria: GeneDx Variant Classification (06012015). Collection method: clinical testing. Allele origin: germline. Affected: yes.
Comment: This variant is considered likely benign or benign based on one or more of the following criteria: it is a conservative change, it occurs at a poorly conserved position in the protein, it is predicted to be benign by multiple in silico algorithms, and/or has population frequency not consistent with disease.

NM_001267550.2(TTN):c.44816-11T>C

Gene: TTN (titin; minus strand). Cytogenetic location: 2q31.2.
Variant type: single nucleotide variant.
Coding change: c.44816-11T>C on transcript NM_001267550.2 (MANE Select); 11 bases into the intron before coding-DNA position 44816, T replaced by C.
Molecular consequence: intron variant.
Genome position (GRCh38, 1-based): chr2:178,622,778, A>G on the plus strand (T>C on the coding strand, the complement: TTN is on the minus strand). VCF-style: chr2-178622778-A-G. GRCh37 (hg19) VCF-style: chr2-179487505-A-G.
Other names: c.17621-11T>C (NM_003319.4); c.18197-11T>C (NM_133437.4); c.17996-11T>C (NM_133432.3); c.37112-11T>C (NM_133378.4); c.39893-11T>C (NM_001256850.1).
Identifiers: ClinVar variation 507459 (VCV000507459.3), dbSNP rs1553721449, ClinGen allele CA658796011.